The following is an entry in ClinVar:

NM_000135.4(FANCA):c.432G>C (p.Lys144Asn)

Gene: FANCA (FA complementation group A; minus strand). Cytogenetic location: 16q24.3.
Variant type: single nucleotide variant.
Coding change: c.432G>C on transcript NM_000135.4 (MANE Select); coding-DNA position 432, G replaced by C.
Protein change: p.Lys144Asn; replaces lysine 144 with asparagine.
Molecular consequence: missense variant. On other transcripts: intron variant (1).
Genome position (GRCh38, 1-based): chr16:89,810,797, C>G on the plus strand (G>C on the coding strand, the complement: FANCA is on the minus strand). VCF-style: chr16-89810797-C-G. GRCh37 (hg19) VCF-style: chr16-89877205-C-G.
Other names: c.432G>C, p.Lys144Asn (NM_001018112.3, NM_001286167.3); c.426+132G>C (NM_001351830.2); short protein forms K144N.
Identifiers: ClinVar variation 2744032 (VCV002744032.3), dbSNP rs2143677916, ClinGen allele CA397480827.
Genomic context (GRCh38, chr16:89,810,797, plus strand): 5'-AAGACGGGAGAACATACTGTGTGCCAATAAATACTGAGCAAACTCTAACAGGGAAGACAG[C>G]TTCTTCTGAAAAGAGAGATTACATTTTTTAAAAAACAAATTACCTGAAACAATACTAAAG-3'
Protein context (NP_000126.2, residues 134-154): PVLLTVEQRK[Lys144Asn]LSSLLEFAQY

ClinVar aggregate classification (germline): Uncertain significance (1 of 4 stars; one submission).

Conditions:
Fanconi anemia (FA). Also called: Fanconi's anemia. Identifiers: Orphanet 84, MedGen C0015625, MeSH D005199, MONDO:0019391.

Submission:

Labcorp Genetics (formerly Invitae), Labcorp
Classification: Uncertain significance for Fanconi anemia. Last evaluated: 2023-10-05. Review status: criteria provided, single submitter. Criteria: Invitae Variant Classification Sherloc (09022015). Collection method: clinical testing. Allele origin: germline.
Comment: This sequence change replaces lysine, which is basic and polar, with asparagine, which is neutral and polar, at codon 144 of the FANCA protein (p.Lys144Asn). This variant is not present in population databases (gnomAD no frequency). This variant has not been reported in the literature in individuals affected with FANCA-related conditions. Advanced modeling of protein sequence and biophysical properties (such as structural, functional, and spatial information, amino acid conservation, physicochemical variation, residue mobility, and thermodynamic stability) performed at Invitae indicates that this missense variant is expected to disrupt FANCA protein function. In summary, the available evidence is currently insufficient to determine the role of this variant in disease. Therefore, it has been classified as a Variant of Uncertain Significance.